The following is an entry in ClinVar:

NM_022489.4(INF2):c.799G>A (p.Asp267Asn)

Gene: INF2 (inverted formin 2; plus strand). Cytogenetic location: 14q32.33.
Variant type: single nucleotide variant.
Coding change: c.799G>A on transcript NM_022489.4 (MANE Select); coding-DNA position 799, G replaced by A.
Protein change: p.Asp267Asn; replaces aspartic acid 267 with asparagine.
Molecular consequence: missense variant.
Genome position (GRCh38, 1-based): chr14:104,706,132, G>A. VCF-style: chr14-104706132-G-A. GRCh37 (hg19) VCF-style: chr14-105172469-G-A.
Other names: c.799G>A, p.Asp267Asn (NM_001031714.4); short protein forms D267N.
Identifiers: ClinVar variation 568121 (VCV000568121.10), dbSNP rs772599038, ClinGen allele CA7372426.

ClinVar aggregate classification (germline): Conflicting classifications of pathogenicity. Review status: criteria provided, conflicting classifications (1 of 4 stars). 3 submissions from 3 submitters: Uncertain significance (2); Likely benign (1). Last evaluated 2025-12-21.

Conditions:
Focal segmental glomerulosclerosis 5 (FSGS5). Identifiers: Orphanet 656, MedGen C2750475, MONDO:0013191, OMIM 613237.
Charcot-Marie-Tooth disease dominant intermediate E. Also called: CHARCOT-MARIE-TOOTH NEUROPATHY WITH FOCAL SEGMENTAL GLOMERULONEPHRITIS. Identifiers: Orphanet 93114, MedGen C4302667, MONDO:0013758, OMIM 614455.

Allele frequency attached by ClinVar (database versions not stated): gnomAD 0.00001; ExAC 0.00003; gnomAD exomes 0.00003; TOPMed 0.00004.

Submissions (3):

Labcorp Genetics (formerly Invitae), Labcorp
Classification: Likely benign for Charcot-Marie-Tooth disease dominant intermediate E; Focal segmental glomerulosclerosis 5. Last evaluated: 2025-12-21. Review status: criteria provided, single submitter. Criteria: Invitae Variant Classification Sherloc (09022015). Collection method: clinical testing. Allele origin: germline.

Fulgent Genetics
Classification: Uncertain significance for Focal segmental glomerulosclerosis 5; Charcot-Marie-Tooth disease dominant intermediate E. Last evaluated: 2022-01-10. Review status: criteria provided, single submitter. Criteria: ACMG Guidelines, 2015. Collection method: clinical testing. Allele origin: unknown.

Kariminejad - Najmabadi Pathology & Genetics Center
Classification: Uncertain significance. Last evaluated: 2021-01-23. Review status: criteria provided, single submitter. Criteria: ACMG Guidelines, 2015. Collection method: clinical testing. Allele origin: germline. Inheritance: Autosomal dominant inheritance. Affected: yes.
Comment: PP2, PM2